The following is an entry in ClinVar:

NM_024408.4(NOTCH2):c.6130del (p.Arg2044fs)

Gene: NOTCH2 (notch receptor 2; minus strand). Cytogenetic location: 1p12.
Variant type: Deletion.
Coding change: c.6130del on transcript NM_024408.4 (MANE Select); coding-DNA position 6130, one base deleted (C; older notation c.6130delC).
Protein change: p.Arg2044fs; shifts the reading frame from arginine 2044.
Molecular consequence: frameshift variant.
Genome position (GRCh38, 1-based): chr1:119,916,592, G deleted on the plus strand (C on the coding strand, the reverse complement: NOTCH2 is on the minus strand). VCF-style (leftmost placement, unchanged base first): chr1-119916591-CG-C. GRCh37 (hg19) VCF-style: chr1-120459214-CG-C.
Other names: short protein forms R2044fs.
Identifiers: ClinVar variation 5010156 (VCV005010156.1).

ClinVar aggregate classification (germline): Likely pathogenic (1 of 4 stars; one submission).

Conditions:
Alagille syndrome due to a NOTCH2 point mutation. Also called: Alagille syndrome 2. Identifiers: Orphanet 261629, Orphanet 52, MedGen C1857761, MONDO:0012439, OMIM 610205.

Submission:

MVZ Medizinische Genetik Mainz
Classification: Likely pathogenic for Alagille syndrome due to a NOTCH2 point mutation. Last evaluated: 2026-08-20. Review status: criteria provided, single submitter. Criteria: UK Practice Guidelines For Variant Classification V4 01 2020. Collection method: clinical testing. Allele origin: germline. Inheritance: Autosomal dominant inheritance. Affected: yes. Observed: 1 variant allele.
Comment: ACMG Criteria: PVS1,PM2_SUP